The following is an entry in ClinVar:

NC_000016.9:g.(?_2089925)_(2094811_?)del

Gene: NTHL1 (nth like DNA glycosylase 1; minus strand). Cytogenetic location: 16p13.3.
Variant type: Deletion.
Identifiers: ClinVar variation 3243633 (VCV003243633.1).

ClinVar aggregate classification (germline): Pathogenic (1 of 4 stars; one submission).

Submission:

Labcorp Genetics (formerly Invitae), Labcorp
Classification: Pathogenic. Last evaluated: 2023-09-10. Review status: criteria provided, single submitter. Criteria: Invitae Variant Classification Sherloc (09022015). Collection method: clinical testing. Allele origin: unknown.
Comment: This variant is a gross deletion of the genomic region encompassing exon(s) 3-6 of the NTHL1 gene, which includes the termination codon. This deletion extends beyond the assayed region for this gene and therefore may encompass additional genes. While this deletion is not anticipated to lead to nonsense mediated decay, it is expected to alter mRNA translation or result in a truncated protein product. This variant has not been reported in the literature in individuals affected with NTHL1-related conditions. This variant disrupts a region of the NTHL1 protein in which other variant(s) (p.Gln287*) have been determined to be pathogenic (PMID: 27329137, 28912133, 30552997, 30753826; Invitae). This suggests that this is a clinically significant region of the protein, and that variants that disrupt it are likely to be disease-causing. For these reasons, this variant has been classified as Pathogenic.

Literature cited by the submitters: PubMed 27329137; PubMed 28912133; PubMed 30552997; PubMed 30753826.